The following is an entry in ClinVar:

NM_000742.4(CHRNA2):c.*1480C>T

Gene: CHRNA2 (cholinergic receptor nicotinic alpha 2 subunit; minus strand). Cytogenetic location: 8p21.2.
Variant type: single nucleotide variant.
Coding change: c.*1480C>T on transcript NM_000742.4 (MANE Select); 1480 bases downstream of the stop codon, C replaced by T.
Molecular consequence: 3 prime UTR variant.
Genome position (GRCh38, 1-based): chr8:27,460,149, G>A on the plus strand (C>T on the coding strand, the complement: CHRNA2 is on the minus strand). VCF-style: chr8-27460149-G-A. GRCh37 (hg19) VCF-style: chr8-27317666-G-A.
Other names: c.*1480C>T (NM_001347707.2, NM_001347708.2, NM_001282455.2 and 2 more transcripts).
Identifiers: ClinVar variation 362666 (VCV000362666.5), dbSNP rs113471592, ClinGen allele CA10625263.

ClinVar aggregate classification (germline): Benign (1 of 4 stars; one submission).

Conditions:
Autosomal dominant nocturnal frontal lobe epilepsy 4. Also called: EPILEPSY, FAMILIAL, WITH NOCTURNAL WANDERING AND ICTAL FEAR; CHRNA2-Related Nocturnal Frontal Lobe Epilepsy, Autosomal Dominant. Identifiers: Orphanet 98784, MedGen C1835905, MONDO:0012474, OMIM 610353.

Allele frequency attached by ClinVar (database versions not stated): gnomAD exomes 0.01190; gnomAD 0.02615 and 0.02800; TOPMed 0.02954; 1000 Genomes Project 0.03115; 1000 Genomes Project 30x 0.03232.
gnomAD v4.1: 3,941 of 152,346 alleles (2.6%); highest among the groups gnomAD compares: African/African-American, 9%; 177 homozygotes.

Submission:

Illumina Laboratory Services, Illumina
Classification: Benign for Autosomal dominant nocturnal frontal lobe epilepsy 4. Last evaluated: 2018-01-13. Review status: criteria provided, single submitter. Criteria: ICSL Variant Classification Criteria 13 December 2019. Collection method: clinical testing. Allele origin: germline.
Comment: This variant was observed in the ICSL laboratory as part of a predisposition screen in an ostensibly healthy population. It had not been previously curated by ICSL or reported in the Human Gene Mutation Database (HGMD: prior to June 1st, 2018), and was therefore a candidate for classification through an automated scoring system. Utilizing variant allele frequency, disease prevalence and penetrance estimates, and inheritance mode, an automated score was calculated to assess if this variant is too frequent to cause the disease. Based on the score and internal cut-off values, a variant classified as benign is not then subjected to further curation. The score for this variant resulted in a classification of benign for this disease.